The following is an entry in ClinVar:

ClinVar aggregate classification (germline): Uncertain significance. Review status: criteria provided, multiple submitters, no conflicts (2 of 4 stars). 3 submissions from 3 submitters: Uncertain significance (3). Last evaluated 2024-01-31.

Conditions:
Hereditary cancer-predisposing syndrome. Also called: Tumor predisposition; Hereditary neoplastic syndrome; Neoplastic Syndromes, Hereditary; Hereditary Cancer Syndrome. Identifiers: Orphanet 140162, MedGen C0027672, MeSH D009386, MONDO:0015356.
Hereditary breast ovarian cancer syndrome. Also called: Breast and ovarian cancer; BRCA1- and BRCA2-Associated Hereditary Breast and Ovarian Cancer; Hereditary breast and ovarian cancer; Hereditary breast and ovarian cancer syndrome (HBOC); Hereditary breast and/or ovarian cancer syndrome; Hereditary breast and ovarian cancer syndrome. Identifiers: Orphanet 145, MedGen C0677776, MeSH D061325, MONDO:0003582. Disease mechanism: loss of function.
Ataxia-telangiectasia-like disorder (ATLD). Identifiers: MedGen C1858391, MONDO:0011457.

Allele frequency attached by ClinVar (database versions not stated): gnomAD exomes below 0.00001.

Submissions (3):

Ambry Genetics
Classification: Uncertain significance for Hereditary cancer-predisposing syndrome. Last evaluated: 2024-01-31. Review status: criteria provided, single submitter. Criteria: Ambry Variant Classification Scheme 2023. Collection method: clinical testing. Allele origin: germline.
Comment: The p.D650H variant (also known as c.1948G>C), located in coding exon 17 of the MRE11A gene, results from a G to C substitution at nucleotide position 1948. The aspartic acid at codon 650 is replaced by histidine, an amino acid with similar properties. This amino acid position is highly conserved in available vertebrate species. In addition, the in silico prediction for this alteration is inconclusive. Since supporting evidence is limited at this time, the clinical significance of this alteration remains unclear.

Labcorp Genetics (formerly Invitae), Labcorp
Classification: Uncertain significance for Ataxia-telangiectasia-like disorder. Last evaluated: 2022-08-16. Review status: criteria provided, single submitter. Criteria: Invitae Variant Classification Sherloc (09022015). Collection method: clinical testing. Allele origin: germline.
Comment: ClinVar contains an entry for this variant (Variation ID: 857036). Algorithms developed to predict the effect of missense changes on protein structure and function are either unavailable or do not agree on the potential impact of this missense change (SIFT: "Deleterious"; PolyPhen-2: "Possibly Damaging"; Align-GVGD: "Class C0"). In summary, the available evidence is currently insufficient to determine the role of this variant in disease. Therefore, it has been classified as a Variant of Uncertain Significance. This sequence change replaces aspartic acid, which is acidic and polar, with histidine, which is basic and polar, at codon 650 of the MRE11 protein (p.Asp650His). This variant is not present in population databases (gnomAD no frequency). This variant has not been reported in the literature in individuals affected with MRE11-related conditions.

National Health Laboratory Service, Universitas Academic Hospital and University of the Free State
Classification: Uncertain significance for Hereditary breast ovarian cancer syndrome. Last evaluated: 2022-04-19. Review status: criteria provided, single submitter. Criteria: ACMG Guidelines, 2015. Collection method: clinical testing. Allele origin: germline. Affected: yes. Observed: 3 variant alleles.

NM_005591.4(MRE11):c.1948G>C (p.Asp650His)

Gene: MRE11 (MRE11 double strand break repair nuclease; minus strand). Cytogenetic location: 11q21.
Variant type: single nucleotide variant.
Coding change: c.1948G>C on transcript NM_005591.4 (MANE Select); coding-DNA position 1948, G replaced by C.
Protein change: p.Asp650His; replaces aspartic acid 650 with histidine.
Molecular consequence: missense variant.
Genome position (GRCh38, 1-based): chr11:94,435,878, C>G on the plus strand (G>C on the coding strand, the complement: MRE11 is on the minus strand). VCF-style: chr11-94435878-C-G. GRCh37 (hg19) VCF-style: chr11-94169044-C-G.
Other names: NP_005582.1:p.Asp650His; c.1945G>C, p.Asp649His (NM_001330347.2); c.1864G>C, p.Asp622His (NM_005590.4); short protein forms D649H, D622H, D650H.
Identifiers: ClinVar variation 857036 (VCV000857036.11), dbSNP rs1945595743, ClinGen allele CA382374118.